The following is an entry in ClinVar:

ClinVar aggregate classification (germline): Uncertain significance. Review status: criteria provided, multiple submitters, no conflicts (2 of 4 stars). 2 submissions from 2 submitters: Uncertain significance (2). Last evaluated 2026-07-06.

Conditions:
Hereditary cancer-predisposing syndrome. Also called: Hereditary Cancer Syndrome; Tumor predisposition; Neoplastic Syndromes, Hereditary; Hereditary neoplastic syndrome. Identifiers: Orphanet 140162, MedGen C0027672, MeSH D009386, MONDO:0015356.

Submissions (2):

Ambry Genetics
Classification: Uncertain significance for Hereditary cancer-predisposing syndrome. Last evaluated: 2026-07-06. Review status: criteria provided, single submitter. Criteria: Ambry Variant Classification Scheme 2023. Collection method: clinical testing. Allele origin: germline.
Comment: The p.A299V variant (also known as c.896C>T), located in coding exon 6 of the FH gene, results from a C to T substitution at nucleotide position 896. The alanine at codon 299 is replaced by valine, an amino acid with similar properties. This amino acid position is conserved. In addition, the in silico prediction for this alteration is inconclusive. Based on the available evidence, the clinical significance of this variant remains unclear.

Labcorp Genetics (formerly Invitae), Labcorp
Classification: Uncertain significance. Last evaluated: 2025-11-13. Review status: criteria provided, single submitter. Criteria: Invitae Variant Classification Sherloc (09022015). Collection method: clinical testing. Allele origin: germline.
Comment: This sequence change replaces alanine, which is neutral and non-polar, with valine, which is neutral and non-polar, at codon 299 of the FH protein (p.Ala299Val). This variant is not present in population databases (gnomAD no frequency). This variant has not been reported in the literature in individuals affected with FH-related conditions. ClinVar contains an entry for this variant (Variation ID: 1494774). Invitae Evidence Modeling of protein sequence and biophysical properties (such as structural, functional, and spatial information, amino acid conservation, physicochemical variation, residue mobility, and thermodynamic stability) indicates that this missense variant is not expected to disrupt FH protein function with a negative predictive value of 95%. In summary, the available evidence is currently insufficient to determine the role of this variant in disease. Therefore, it has been classified as a Variant of Uncertain Significance.

NM_000143.4(FH):c.896C>T (p.Ala299Val)

Gene: FH (fumarate hydratase; minus strand). Cytogenetic location: 1q43.
Variant type: single nucleotide variant.
Coding change: c.896C>T on transcript NM_000143.4 (MANE Select); coding-DNA position 896, C replaced by T.
Protein change: p.Ala299Val; replaces alanine 299 with valine.
Molecular consequence: missense variant.
Genome position (GRCh38, 1-based): chr1:241,506,011, G>A on the plus strand (C>T on the coding strand, the complement: FH is on the minus strand). VCF-style: chr1-241506011-G-A. GRCh37 (hg19) VCF-style: chr1-241669311-G-A.
Other names: c.896C>T (NM_000143.3); short protein forms A299V.
Identifiers: ClinVar variation 1494774 (VCV001494774.9), dbSNP rs2147917505, ClinGen allele CA345438782.
Genomic context (GRCh38, chr1:241,506,011, plus strand): 5'-GACCACGTATAATGAGAAATGAAAATGAGAAATAATTCACGTGATCACTAACCTGTAAGT[G>A]CAGCCACTTTTGCAGCAACCTTTTCTGCAAAGCCAATTCTAGTATTTAAACCTGTACCAA-3'
Protein context (NP_000134.2, residues 289-309): FAEKVAAKVA[Ala299Val]LTGLPFVTAP